The following is an entry in ClinVar:

ClinVar aggregate classification (germline): Uncertain significance. Review status: criteria provided, multiple submitters, no conflicts (2 of 4 stars). 2 submissions from 2 submitters: Uncertain significance (2). Last evaluated 2025-02-20.

Conditions:
Glycogen storage disease IXd (GSD9D). Also called: GSD IXd; Muscle Phosphorylase Kinase Deficiency. Identifiers: Orphanet 715, MedGen C1845151, MONDO:0010362, OMIM 300559.

Allele frequency attached by ClinVar (database versions not stated): gnomAD exomes 0.00001 and 0.00002; gnomAD 0.00002; TOPMed 0.00002.
gnomAD v4.1: 12 of 1,207,585 alleles (0.00099%); highest among the groups gnomAD compares: South Asian, 0.0089%; no homozygotes.

Submissions (2):

Labcorp Genetics (formerly Invitae), Labcorp
Classification: Uncertain significance for Glycogen storage disease IXd. Last evaluated: 2025-02-20. Review status: criteria provided, single submitter. Criteria: Invitae Variant Classification Sherloc (09022015). Collection method: clinical testing. Allele origin: germline.
Comment: This sequence change replaces arginine, which is basic and polar, with cysteine, which is neutral and slightly polar, at codon 477 of the PHKA1 protein (p.Arg477Cys). This variant is present in population databases (no rsID available, gnomAD 0.007%). This variant has not been reported in the literature in individuals affected with PHKA1-related conditions. ClinVar contains an entry for this variant (Variation ID: 1387567). Invitae Evidence Modeling of protein sequence and biophysical properties (such as structural, functional, and spatial information, amino acid conservation, physicochemical variation, residue mobility, and thermodynamic stability) indicates that this missense variant is expected to disrupt PHKA1 protein function with a positive predictive value of 80%. In summary, the available evidence is currently insufficient to determine the role of this variant in disease. Therefore, it has been classified as a Variant of Uncertain Significance.

Fulgent Genetics
Classification: Uncertain significance for Glycogen storage disease IXd. Last evaluated: 2022-04-07. Review status: criteria provided, single submitter. Criteria: ACMG Guidelines, 2015. Collection method: clinical testing. Allele origin: unknown.

NM_002637.4(PHKA1):c.1429C>T (p.Arg477Cys)

Gene: PHKA1 (phosphorylase kinase regulatory subunit alpha 1; minus strand). Cytogenetic location: Xq13.1.
Variant type: single nucleotide variant.
Coding change: c.1429C>T on transcript NM_002637.4 (MANE Select); coding-DNA position 1429, C replaced by T.
Protein change: p.Arg477Cys; replaces arginine 477 with cysteine.
Molecular consequence: missense variant.
Genome position (GRCh38, 1-based): chrX:72,644,392, G>A on the plus strand (C>T on the coding strand, the complement: PHKA1 is on the minus strand). VCF-style: chrX-72644392-G-A. GRCh37 (hg19) VCF-style: chrX-71864242-G-A.
Other names: c.1429C>T, p.Arg477Cys (NM_001122670.2, NM_001172436.2); short protein forms R477C.
Identifiers: ClinVar variation 1387567 (VCV001387567.7), dbSNP rs1556296540, ClinGen allele CA413592566.
Genomic context (GRCh38, chrX:72,644,392, plus strand): 5'-TGATTCTAGCAGGCTAGCCAATCTCCTTACCTAGGCTGGAATAAATGTGGCTGAGAATAC[G>A]AGCTGGTTGTACTCTGATGGGGTATACCTCAGCAATGGTCTCCACGTAAATTCCCTTGTC-3'
Protein context (NP_002628.2, residues 467-487): EVYPIRVQPA[Arg477Cys]ILSHIYSSLG